The following is an entry in ClinVar:

NM_001184880.2(PCDH19):c.384_394del (p.Phe129fs)

Gene: PCDH19 (protocadherin 19; minus strand). Cytogenetic location: Xq22.1.
Variant type: Deletion.
Coding change: c.384_394del on transcript NM_001184880.2 (MANE Select); coding-DNA positions 384 to 394, 11 bases deleted (TTTCCCGGCAG).
Protein change: p.Phe129fs; shifts the reading frame from phenylalanine 129.
Molecular consequence: frameshift variant.
Genome position (GRCh38, 1-based): chrX:100,408,204-100,408,214, CTGCCGGGAAA deleted on the plus strand (TTTCCCGGCAG on the coding strand, the reverse complement: PCDH19 is on the minus strand); deleting any 11 consecutive bases within chrX:100,408,204-100,408,217 gives the same sequence; the c. name uses the placement nearest the transcript's 3' end. VCF-style (leftmost placement, unchanged base first): chrX-100408203-GCTGCCGGGAAA-G. GRCh37 (hg19) VCF-style: chrX-99663201-GCTGCCGGGAAA-G.
Other names: c.384_394del, p.Phe129fs (NM_001105243.2, NM_020766.3); short protein forms F129fs.
Identifiers: ClinVar variation 933682 (VCV000933682.8), dbSNP rs1928462092, ClinGen allele CA1139667697.

ClinVar aggregate classification (germline): Pathogenic (1 of 4 stars; one submission).

Conditions:
Developmental and epileptic encephalopathy, 9 (DEE9). Also called: Early infantile epileptic encephalopathy 9; JUBERG-HELLMAN SYNDROME; EPILEPSY, FEMALE-RESTRICTED, WITH MENTAL RETARDATION; PCDH19-Related X-Linked Female-Limited Epilepsy with Mental Retardation. Identifiers: Orphanet 101039, Orphanet 2076, MedGen C1848137, MONDO:0010246, OMIM 300088. Disease mechanism: loss of function.

Submission:

Labcorp Genetics (formerly Invitae), Labcorp
Classification: Pathogenic for Developmental and epileptic encephalopathy, 9. Last evaluated: 2022-02-03. Review status: criteria provided, single submitter. Criteria: Invitae Variant Classification Sherloc (09022015). Collection method: clinical testing. Allele origin: germline.
Comment: This variant has not been reported in the literature in individuals affected with PCDH19-related conditions. For these reasons, this variant has been classified as Pathogenic. ClinVar contains an entry for this variant (Variation ID: 933682). This variant is not present in population databases (gnomAD no frequency). This sequence change creates a premature translational stop signal (p.Phe129Thrfs*93) in the PCDH19 gene. It is expected to result in an absent or disrupted protein product. Loss-of-function variants in PCDH19 are known to be pathogenic (PMID: 21053371).

Literature cited by the submitters: PubMed 21053371.